The following is an entry in ClinVar:

NM_021922.3(FANCE):c.1357G>T (p.Val453Leu)

Gene: FANCE (FA complementation group E; plus strand). Cytogenetic location: 6p21.31.
Variant type: single nucleotide variant.
Coding change: c.1357G>T on transcript NM_021922.3 (MANE Select); coding-DNA position 1357, G replaced by T.
Protein change: p.Val453Leu; replaces valine 453 with leucine.
Molecular consequence: missense variant. On other transcripts: intron variant (1).
Genome position (GRCh38, 1-based): chr6:35,460,592, G>T. VCF-style: chr6-35460592-G-T. GRCh37 (hg19) VCF-style: chr6-35428369-G-T.
Other names: c.1316+832G>T (NM_001410876.1); short protein forms V453L.
Identifiers: ClinVar variation 2067852 (VCV002067852.4), dbSNP rs1046413871, ClinGen allele CA137301747.

ClinVar aggregate classification (germline): Uncertain significance (1 of 4 stars; one submission).

Conditions:
Fanconi anemia complementation group E (FANCE). Also called: FANCE-Related Fanconi Anemia. Identifiers: Orphanet 84, MedGen C3160739, MONDO:0010953, OMIM 600901.

Allele frequency attached by ClinVar (database versions not stated): TOPMed below 0.00001.
gnomAD v4.1: 12 of 1,614,132 alleles (0.00074%); highest among the groups gnomAD compares: Non-Finnish European, 0.001%; no homozygotes.

Submission:

Labcorp Genetics (formerly Invitae), Labcorp
Classification: Uncertain significance for Fanconi anemia complementation group E. Last evaluated: 2022-05-20. Review status: criteria provided, single submitter. Criteria: Invitae Variant Classification Sherloc (09022015). Collection method: clinical testing. Allele origin: germline.
Comment: In summary, the available evidence is currently insufficient to determine the role of this variant in disease. Therefore, it has been classified as a Variant of Uncertain Significance. Algorithms developed to predict the effect of missense changes on protein structure and function output the following: SIFT: "Tolerated"; PolyPhen-2: "Benign"; Align-GVGD: "Class C0". The leucine amino acid residue is found in multiple mammalian species, which suggests that this missense change does not adversely affect protein function. This variant has not been reported in the literature in individuals affected with FANCE-related conditions. This variant is present in population databases (no rsID available, gnomAD 0.002%). This sequence change replaces valine, which is neutral and non-polar, with leucine, which is neutral and non-polar, at codon 453 of the FANCE protein (p.Val453Leu).